The following is an entry in ClinVar:

NM_005120.3(MED12):c.2371+4G>C

Gene: MED12 (mediator complex subunit 12; plus strand). Cytogenetic location: Xq13.1.
Variant type: single nucleotide variant.
Coding change: c.2371+4G>C on transcript NM_005120.3 (MANE Select); 4 bases into the intron after coding-DNA position 2371, G replaced by C.
Molecular consequence: intron variant.
Genome position (GRCh38, 1-based): chrX:71,125,499, G>C. VCF-style: chrX-71125499-G-C. GRCh37 (hg19) VCF-style: chrX-70345349-G-C.
Identifiers: ClinVar variation 2822868 (VCV002822868.3), dbSNP rs2092300571, ClinGen allele CA2436353766.
Genomic context (GRCh38, chrX:71,125,499, plus strand): 5'-AGAAAATCACCAAGGATATCTTGAAGGTTCTGAACCGCAAAGGGACAGCAGAAACTGGTG[G>C]GTTTGAGGCTCCTTAAACAGATCTCCCCCAAAGAATGCCCTAGTCAGTCTTCCCTTCCCC-3'

ClinVar aggregate classification (germline): Uncertain significance (1 of 4 stars; one submission).

Conditions:
FG syndrome (FGS). Identifiers: MedGen C0220769, MONDO:0002010.

Allele frequency attached by ClinVar (database versions not stated): TOPMed 0.00001.

Submission:

Labcorp Genetics (formerly Invitae), Labcorp
Classification: Uncertain significance for FG syndrome. Last evaluated: 2023-06-09. Review status: criteria provided, single submitter. Criteria: Invitae Variant Classification Sherloc (09022015). Collection method: clinical testing. Allele origin: germline.
Comment: In summary, the available evidence is currently insufficient to determine the role of this variant in disease. Therefore, it has been classified as a Variant of Uncertain Significance. Variants that disrupt the consensus splice site are a relatively common cause of aberrant splicing (PMID: 17576681, 9536098). Algorithms developed to predict the effect of sequence changes on RNA splicing suggest that this variant is not likely to affect RNA splicing. This variant has not been reported in the literature in individuals affected with MED12-related conditions. This variant is not present in population databases (gnomAD no frequency). This sequence change falls in intron 16 of the MED12 gene. It does not directly change the encoded amino acid sequence of the MED12 protein. It affects a nucleotide within the consensus splice site.

Literature cited by the submitters: PubMed 17576681; PubMed 9536098.